The following is an entry in ClinVar:

NM_000264.5(PTCH1):c.293G>A (p.Cys98Tyr)

Gene: PTCH1 (patched 1; minus strand). Cytogenetic location: 9q22.32.
Variant type: single nucleotide variant.
Coding change: c.293G>A on transcript NM_000264.5 (MANE Select); coding-DNA position 293, G replaced by A.
Protein change: p.Cys98Tyr; replaces cysteine 98 with tyrosine.
Molecular consequence: missense variant. On other transcripts: 5 prime UTR variant (4), non-coding transcript variant (1).
Genome position (GRCh38, 1-based): chr9:95,506,508, C>T on the plus strand (G>A on the coding strand, the complement: PTCH1 is on the minus strand). VCF-style: chr9-95506508-C-T. GRCh37 (hg19) VCF-style: chr9-98268790-C-T.
Other names: c.95G>A, p.Cys32Tyr (NM_001083602.3, NM_001354919.2); c.290G>A, p.Cys97Tyr (NM_001083603.3); c.-161G>A (NM_001083604.3, NM_001083605.3, NM_001083606.3 and 1 more transcripts); c.293G>A, p.Cys98Tyr (NM_001354918.2); short protein forms C32Y, C98Y, C97Y.
Identifiers: ClinVar variation 220540 (VCV000220540.12), dbSNP rs746435405, ClinGen allele CA350252.

ClinVar aggregate classification (germline): Conflicting classifications of pathogenicity. Review status: criteria provided, conflicting classifications (1 of 4 stars). 3 submissions from 3 submitters: Uncertain significance (2); Benign (1). Last evaluated 2026-03-19.

Conditions:
Hereditary cancer-predisposing syndrome. Also called: Neoplastic Syndromes, Hereditary; Hereditary Cancer Syndrome; Tumor predisposition; Hereditary neoplastic syndrome. Identifiers: Orphanet 140162, MedGen C0027672, MeSH D009386, MONDO:0015356.
Gorlin syndrome. Also called: Basal cell nevus syndrome; Nevoid Basal Cell Carcinoma Syndrome. Identifiers: Orphanet 377, MedGen C0004779, MONDO:0007187.

Allele frequency attached by ClinVar (database versions not stated): ExAC 0.00001; gnomAD 0.00001; TOPMed 0.00002; gnomAD exomes below 0.00001.
gnomAD v4.1: 1 of 1,613,694 alleles (0.000062%); highest among the groups gnomAD compares: African/African-American, 0.0013%; no homozygotes.

Submissions (3):

Ambry Genetics
Classification: Uncertain significance for Hereditary cancer-predisposing syndrome. Last evaluated: 2026-03-19. Review status: criteria provided, single submitter. Criteria: Ambry Variant Classification Scheme 2023. Collection method: clinical testing. Allele origin: germline.
Comment: The p.C98Y variant (also known as c.293G>A), located in coding exon 2 of the PTCH1 gene, results from a G to A substitution at nucleotide position 293. The cysteine at codon 98 is replaced by tyrosine, an amino acid with highly dissimilar properties. This amino acid position is highly conserved in available vertebrate species. In addition, this alteration is predicted to be deleterious by in silico analysis. Based on the available evidence, the clinical significance of this variant remains unclear.

Labcorp Genetics (formerly Invitae), Labcorp
Classification: Benign for Gorlin syndrome. Last evaluated: 2025-07-07. Review status: criteria provided, single submitter. Criteria: Invitae Variant Classification Sherloc (09022015). Collection method: clinical testing. Allele origin: germline.

GeneDx
Classification: Uncertain significance. Last evaluated: 2024-03-07. Review status: criteria provided, single submitter. Criteria: GeneDx Variant Classification Process June 2021. Collection method: clinical testing. Allele origin: germline. Affected: yes.
Comment: Not observed at significant frequency in large population cohorts (gnomAD); In silico analysis supports that this missense variant has a deleterious effect on protein structure/function; Has not been previously published as pathogenic or benign to our knowledge; This variant is associated with the following publications: (PMID: 26415585, 29991641)